The following is an entry in ClinVar:

NM_006005.3(WFS1):c.1965G>C (p.Glu655Asp)

Gene: WFS1 (wolframin ER transmembrane glycoprotein; plus strand). Cytogenetic location: 4p16.1.
Variant type: single nucleotide variant.
Coding change: c.1965G>C on transcript NM_006005.3 (MANE Select); coding-DNA position 1965, G replaced by C.
Protein change: p.Glu655Asp; replaces glutamic acid 655 with aspartic acid.
Molecular consequence: missense variant.
Genome position (GRCh38, 1-based): chr4:6,301,760, G>C. VCF-style: chr4-6301760-G-C. GRCh37 (hg19) VCF-style: chr4-6303487-G-C.
Other names: c.1965G>C, p.Glu655Asp (NM_001145853.1); short protein forms E655D.
Identifiers: ClinVar variation 2053144 (VCV002053144.4), dbSNP rs1452508606, ClinGen allele CA356177189.

ClinVar aggregate classification (germline): Uncertain significance (1 of 4 stars; one submission).

gnomAD v4.1: 1 of 1,613,726 alleles (0.000062%); highest among the groups gnomAD compares: Admixed American, 0.0017%; no homozygotes.

Submission:

Labcorp Genetics (formerly Invitae), Labcorp
Classification: Uncertain significance. Last evaluated: 2025-04-19. Review status: criteria provided, single submitter. Criteria: Invitae Variant Classification Sherloc (09022015). Collection method: clinical testing. Allele origin: germline.
Comment: This sequence change replaces glutamic acid, which is acidic and polar, with aspartic acid, which is acidic and polar, at codon 655 of the WFS1 protein (p.Glu655Asp). This variant is present in population databases (no rsID available, gnomAD 0.003%). This variant has not been reported in the literature in individuals affected with WFS1-related conditions. ClinVar contains an entry for this variant (Variation ID: 2053144). Invitae Evidence Modeling of protein sequence and biophysical properties (such as structural, functional, and spatial information, amino acid conservation, physicochemical variation, residue mobility, and thermodynamic stability) has been performed for this missense variant. However, the output from this modeling did not meet the statistical confidence thresholds required to predict the impact of this variant on WFS1 protein function. In summary, the available evidence is currently insufficient to determine the role of this variant in disease. Therefore, it has been classified as a Variant of Uncertain Significance.